The following is an entry in ClinVar:

NM_014425.5(INVS):c.3099C>T (p.Asn1033=)

Gene: INVS (inversin; plus strand). Cytogenetic location: 9q31.1.
Variant type: single nucleotide variant.
Coding change: c.3099C>T on transcript NM_014425.5 (MANE Select); coding-DNA position 3099, C replaced by T.
Protein change: p.Asn1033=; no amino-acid change (asparagine 1033 retained).
Molecular consequence: synonymous variant. On other transcripts: non-coding transcript variant (1).
Genome position (GRCh38, 1-based): chr9:100,300,575, C>T. VCF-style: chr9-100300575-C-T. GRCh37 (hg19) VCF-style: chr9-103062857-C-T.
Other names: c.2811C>T, p.Asn937= (NM_001318381.2); c.2121C>T, p.Asn707= (NM_001318382.2); c.3099C>T (NM_014425.4).
Identifiers: ClinVar variation 364236 (VCV000364236.16), dbSNP rs368303175, ClinGen allele CA5158820.

ClinVar aggregate classification (germline): Conflicting classifications of pathogenicity. Review status: criteria provided, conflicting classifications (1 of 4 stars). 4 submissions from 4 submitters: Uncertain significance (1); Likely benign (2). 1 of the submissions does not count toward it. Last evaluated 2025-04-07.

Conditions:
Nephronophthisis. Also called: Juvenile Nephronophthisis. Identifiers: Orphanet 655, MedGen C0687120, MONDO:0019005, HP:0000090.
Infantile nephronophthisis (NPHP2). Also called: Nephronophthisis 2; Nephronophthisis 2, infantile. Identifiers: Orphanet 655, Orphanet 93591, MedGen C1865872, MONDO:0011190, OMIM 602088.
INVS-related disorder. Also called: INVS-related condition.

Allele frequency attached by ClinVar (database versions not stated): ExAC 0.00004; TOPMed 0.00005; ESP Exome Variant Server 0.00008; gnomAD 0.00009.
gnomAD v4.1: 84 of 1,606,740 alleles (0.0052%); highest among the groups gnomAD compares: Non-Finnish European, 0.0056%; no homozygotes.

Submissions (4):

Labcorp Genetics (formerly Invitae), Labcorp
Classification: Likely benign for Nephronophthisis. Last evaluated: 2025-04-07. Review status: criteria provided, single submitter. Criteria: Invitae Variant Classification Sherloc (09022015). Collection method: clinical testing. Allele origin: germline.

Blueprint Genetics
Classification: Likely benign. Last evaluated: 2024-11-08. Review status: criteria provided, single submitter. Criteria: ACMG Guidelines, 2015. Collection method: clinical testing. Allele origin: germline.

Illumina Laboratory Services, Illumina
Classification: Uncertain significance for Infantile nephronophthisis. Last evaluated: 2018-01-13. Review status: criteria provided, single submitter. Criteria: ICSL Variant Classification Criteria 13 December 2019. Collection method: clinical testing. Allele origin: germline.

PreventionGenetics, part of Exact Sciences
Classification: Likely benign for INVS-related condition. Last evaluated: 2019-03-04. Review status: no assertion criteria provided. Collection method: clinical testing. Allele origin: germline. Not counted in ClinVar's aggregate classification.
Comment: This variant is classified as likely benign based on ACMG/AMP sequence variant interpretation guidelines (Richards et al. 2015 PMID: 25741868, with internal and published modifications).